The following is an entry in ClinVar:

ClinVar aggregate classification (germline): Pathogenic/Likely pathogenic. Review status: criteria provided, multiple submitters, no conflicts (2 of 4 stars). 4 submissions from 4 submitters: Pathogenic (2); Likely pathogenic (2). Last evaluated 2025-10-07.

Conditions:
NAGLU-related disorder. Also called: NAGLU-related condition.
Mucopolysaccharidosis, MPS-III-B (MPS3B). Also called: SANFILIPPO SYNDROME B; MPS III B; MUCOPOLYSACCHARIDOSIS, TYPE IIIB; MPS IIIB (Sanfilippo Syndrome Type B); N-ACETYL-ALPHA-D-GLUCOSAMINIDASE DEFICIENCY; NAGLU DEFICIENCY. Identifiers: Orphanet 79270, MedGen C0086648, MONDO:0009656, OMIM 252920.
Charcot-Marie-Tooth disease axonal type 2V. Also called: CHARCOT-MARIE-TOOTH NEUROPATHY, TYPE 2V; CHARCOT-MARIE-TOOTH DISEASE, AXONAL, AUTOSOMAL DOMINANT, TYPE 2V. Identifiers: Orphanet 447964, MedGen C5569050, MONDO:0014665, OMIM 616491.

Submissions (4):

Natera, Inc.
Classification: Pathogenic for Mucopolysaccharidosis type IIIB. Last evaluated: 2025-10-07. Review status: criteria provided, single submitter. Criteria: Natera Variant Classification Schema (03/2026). Collection method: clinical testing. Allele origin: germline.
Comment: The c.214_237dupGCGGCGCGCGTGCGGGTGCGCGGC variant in NAGLU is an in-frame insertion. This variant is rare in the general population with a frequency below the threshold expected for the associated phenotype(s). This variant has been observed in one or more individuals affected with the associated recessive disease, as either homozygous or compound heterozygous with a second variant (PMID: 20852935, 26907177, 22976768). Additionally, this variant has been observed to segregate in affected family members (PMID: 20852935, 26907177). Functional studies show that this variant may disrupt protein function (PMID: 28751108). This variant results in a change to the protein length while preserving reading frame, which may disrupt normal protein structure or function. Given the available evidence, this variant is classified as Pathogenic.

CeGaT Center for Human Genetics Tuebingen
Classification: Likely pathogenic. Last evaluated: 2025-09-01. Review status: criteria provided, single submitter. Criteria: CeGaT Center For Human Genetics Tuebingen Variant Classification Criteria Version 2. Collection method: clinical testing. Allele origin: germline. Affected: yes. Observed: 1 variant allele.
Comment: NAGLU: PM3:Strong, PM2, PS3:Supporting

Labcorp Genetics (formerly Invitae), Labcorp
Classification: Pathogenic for Charcot-Marie-Tooth disease axonal type 2V; Mucopolysaccharidosis, MPS-III-B. Last evaluated: 2023-04-12. Review status: criteria provided, single submitter. Criteria: Invitae Variant Classification Sherloc (09022015). Collection method: clinical testing. Allele origin: germline.
Comment: This variant, c.214_237dup, results in the insertion of 8 amino acid(s) of the NAGLU protein (p.Ala72_Gly79dup), but otherwise preserves the integrity of the reading frame. This variant is not present in population databases (gnomAD no frequency). This variant has been observed in individual(s) with mucopolysaccharidosis type III (PMID: 20852935, 22976768). ClinVar contains an entry for this variant (Variation ID: 1066367). Algorithms developed to predict the effect of variants on protein structure and function are not available or were not evaluated for this variant. Experimental studies have shown that this variant affects NAGLU function (PMID: 28751108). For these reasons, this variant has been classified as Pathogenic.

PreventionGenetics, part of Exact Sciences
Classification: Likely pathogenic for NAGLU-related condition. Last evaluated: 2022-12-02. Review status: criteria provided, single submitter. Criteria: ACMG Guidelines, 2015. Collection method: clinical testing. Allele origin: germline.
Comment: The NAGLU c.214_237dup24 variant is predicted to result in an in-frame duplication (p.Ala72_Gly79dup). This variant was observed in at least 2 individuals with Mucopolysacharidosis IIIB (Bunge et al. 1999. PubMed ID: 9950362 Table 2; Valstar et al. 2010 PubMed ID: 20852935 Table 2). This variant has not been reported in a large population database, indicating this variant is rare. This variant is interpreted as likely pathogenic.

Literature cited by the submitters: PubMed 20852935 (cited by Natera, Inc. and Labcorp Genetics (formerly Invitae), Labcorp); PubMed 26907177 (cited by Natera, Inc.); PubMed 22976768 (cited by Natera, Inc. and Labcorp Genetics (formerly Invitae), Labcorp); PubMed 28751108 (cited by Natera, Inc. and Labcorp Genetics (formerly Invitae), Labcorp).

NM_000263.4(NAGLU):c.214_237dup (p.Ala72_Gly79dup)

Genes: NAGLU (N-acetyl-alpha-glucosaminidase; plus strand), LOC130060903 (ATAC-STARR-seq lymphoblastoid silent region 8533; plus strand). Cytogenetic location: 17q21.2.
Variant type: Duplication.
Coding change: c.214_237dup on transcript NM_000263.4 (MANE Select); coding-DNA positions 214 to 237, 24 bases duplicated (GCGGCGCGCGTGCGGGTGCGCGGC).
Protein change: p.Ala72_Gly79dup.
Molecular consequence: inframe insertion.
Genome position (GRCh38, 1-based): chr17:42,536,486-42,536,509, GCGGCGCGCGTGCGGGTGCGCGGC duplicated; duplicating any 24 consecutive bases within chr17:42,536,481-42,536,509 gives the same sequence; the c. name uses the placement nearest the transcript's 3' end. VCF-style (leftmost placement, unchanged base first): chr17-42536480-G-GGCGGCGCGGCGCGCGTGCGGGTGC. GRCh37 (hg19) VCF-style: chr17-40688498-G-GGCGGCGCGGCGCGCGTGCGGGTGC.
Other names: c.214_237dup24 (NM_000263.3); c.214_237dupGCGGCGCGCGTGCGGGTGCGCGGC (NM_000263.3).
Identifiers: ClinVar variation 1066367 (VCV001066367.18), dbSNP rs1567890245, ClinGen allele CA983827698.
Genomic context (GRCh38, chr17:42,536,480, plus strand): 5'-GTGTCGGTGGAGCGCGCTCTGGCTGCCAAGCCGGGCTTGGACACCTACAGCCTGGGCGGC[G>GGCGGCGCGGCGCGCGTGCGGGTGC]GCGGCGCGGCGCGCGTGCGGGTGCGCGGCTCCACGGGCGTGGCGGCCGCCGCGGGGCTGC-3'